The following is an entry in ClinVar:

NM_004750.5(CRLF1):c.615G>C (p.Thr205=)

Gene: CRLF1 (cytokine receptor like factor 1; minus strand). Cytogenetic location: 19p13.11.
Variant type: single nucleotide variant.
Coding change: c.615G>C on transcript NM_004750.5 (MANE Select); coding-DNA position 615, G replaced by C.
Protein change: p.Thr205=; no amino-acid change (threonine 205 retained).
Molecular consequence: synonymous variant.
Genome position (GRCh38, 1-based): chr19:18,598,514, C>G on the plus strand (G>C on the coding strand, the complement: CRLF1 is on the minus strand). VCF-style: chr19-18598514-C-G. GRCh37 (hg19) VCF-style: chr19-18709324-C-G.
Identifiers: ClinVar variation 2649587 (VCV002649587.24), dbSNP rs370811634, ClinGen allele CA9314181.

ClinVar aggregate classification (germline): Likely benign (1 of 4 stars; one submission).

Allele frequency attached by ClinVar (database versions not stated): ExAC 0.00002; ESP Exome Variant Server 0.00008.

Submission:

CeGaT Center for Human Genetics Tuebingen
Classification: Likely benign. Last evaluated: 2022-12-01. Review status: criteria provided, single submitter. Criteria: CeGaT Center For Human Genetics Tuebingen Variant Classification Criteria Version 2. Collection method: clinical testing. Allele origin: germline. Affected: yes. Observed: 1 variant allele.
Comment: CRLF1: BP4, BP7